The following is an entry in ClinVar:

NM_003680.4(YARS1):c.414C>T (p.Ser138=)

Gene: YARS1 (tyrosyl-tRNA synthetase 1; minus strand). Cytogenetic location: 1p35.1.
Variant type: single nucleotide variant.
Coding change: c.414C>T on transcript NM_003680.4 (MANE Select); coding-DNA position 414, C replaced by T.
Protein change: p.Ser138=; no amino-acid change (serine 138 retained).
Molecular consequence: synonymous variant.
Genome position (GRCh38, 1-based): chr1:32,806,578, G>A on the plus strand (C>T on the coding strand, the complement: YARS1 is on the minus strand). VCF-style: chr1-32806578-G-A. GRCh37 (hg19) VCF-style: chr1-33272179-G-A.
Identifiers: ClinVar variation 297160 (VCV000297160.17), dbSNP rs762551221, ClinGen allele CA745204.

ClinVar aggregate classification (germline): Likely benign. Review status: criteria provided, multiple submitters, no conflicts (2 of 4 stars). 5 submissions from 5 submitters: Likely benign (5). Last evaluated 2026-05-08.

Conditions:
Inborn genetic diseases. Identifiers: MedGen C0950123, MeSH D030342.
YARS1-related disorder. Also called: YARS1-related condition.
Charcot-Marie-Tooth disease dominant intermediate C (CMTDIC). Also called: CHARCOT-MARIE-TOOTH NEUROPATHY, DOMINANT INTERMEDIATE C. Identifiers: Orphanet 100045, MedGen C1842237, MONDO:0012012, OMIM 608323.

Allele frequency attached by ClinVar (database versions not stated): ExAC 0.00002; TOPMed 0.00002; gnomAD exomes 0.00004.
gnomAD v4.1: 43 of 1,614,140 alleles (0.0027%); highest among the groups gnomAD compares: Middle Eastern, 0.017%; no homozygotes.

Submissions (5):

PreventionGenetics, part of Exact Sciences
Classification: Likely benign for YARS1-related condition. Last evaluated: 2026-05-08. Review status: criteria provided, single submitter. Criteria: ACMG Guidelines, 2015. Collection method: clinical testing. Allele origin: germline.
Comment: This variant is classified as likely benign based on ACMG/AMP sequence variant interpretation guidelines (Richards et al. 2015 PMID: 25741868, with internal and published modifications).

Blueprint Genetics
Classification: Likely benign. Last evaluated: 2024-11-05. Review status: criteria provided, single submitter. Criteria: ACMG Guidelines, 2015. Collection method: clinical testing. Allele origin: germline.

Labcorp Genetics (formerly Invitae), Labcorp
Classification: Likely benign for Charcot-Marie-Tooth disease dominant intermediate C. Last evaluated: 2024-10-29. Review status: criteria provided, single submitter. Criteria: Invitae Variant Classification Sherloc (09022015). Collection method: clinical testing. Allele origin: germline.

Ambry Genetics
Classification: Likely benign for Inborn genetic diseases. Last evaluated: 2019-07-11. Review status: criteria provided, single submitter. Criteria: Ambry Variant Classification Scheme 2023. Collection method: clinical testing. Allele origin: germline.

GeneDx
Classification: Likely benign. Last evaluated: 2017-09-22. Review status: criteria provided, single submitter. Criteria: GeneDx Variant Classification (06012015). Collection method: clinical testing. Allele origin: germline. Affected: yes.
Comment: This variant is considered likely benign or benign based on one or more of the following criteria: it is a conservative change, it occurs at a poorly conserved position in the protein, it is predicted to be benign by multiple in silico algorithms, and/or has population frequency not consistent with disease.